The following is an entry in ClinVar:

ClinVar aggregate classification (germline): Uncertain significance (1 of 4 stars; one submission).

Conditions:
Hereditary cancer-predisposing syndrome. Also called: Neoplastic Syndromes, Hereditary; Tumor predisposition; Hereditary neoplastic syndrome; Hereditary Cancer Syndrome. Identifiers: Orphanet 140162, MedGen C0027672, MeSH D009386, MONDO:0015356.

Submission:

Ambry Genetics
Classification: Uncertain significance for Hereditary cancer-predisposing syndrome. Last evaluated: 2026-07-06. Review status: criteria provided, single submitter. Criteria: Ambry Variant Classification Scheme 2023. Collection method: clinical testing. Allele origin: germline.
Comment: The p.W934R variant (also known as c.2800T>C), located in coding exon 13 of the BLM gene, results from a T to C substitution at nucleotide position 2800. The tryptophan at codon 934 is replaced by arginine, an amino acid with dissimilar properties. This amino acid position is conserved. In addition, this alteration is predicted to be deleterious by in silico analysis. Based on the available evidence, the clinical significance of this variant remains unclear.

NM_000057.4(BLM):c.2800T>C (p.Trp934Arg)

Gene: BLM (BLM RecQ like helicase; plus strand). Cytogenetic location: 15q26.1.
Variant type: single nucleotide variant.
Coding change: c.2800T>C on transcript NM_000057.4 (MANE Select); coding-DNA position 2800, T replaced by C.
Protein change: p.Trp934Arg; replaces tryptophan 934 with arginine.
Molecular consequence: missense variant.
Genome position (GRCh38, 1-based): chr15:90,785,058, T>C. VCF-style: chr15-90785058-T-C. GRCh37 (hg19) VCF-style: chr15-91328288-T-C.
Other names: c.2800T>C, p.Trp934Arg (NM_001287246.2, NM_001287247.2); c.1675T>C, p.Trp559Arg (NM_001287248.2); short protein forms W934R, W559R.
Identifiers: ClinVar variation 5032887 (VCV005032887.1).